The following is an entry in ClinVar:

ClinVar aggregate classification (germline): Benign/Likely benign. Review status: criteria provided, multiple submitters, no conflicts (2 of 4 stars). 4 submissions from 2 submitters: Benign (2); Likely benign (2). Last evaluated 2018-01-12.

Conditions:
Retinitis pigmentosa (RP). Identifiers: Orphanet 791, MedGen C0035334, MeSH D012174, MONDO:0019200, OMIM 268000. Inheritance: Autosomal dominant, autosomal recessive and X linked inheritance.
Leber congenital amaurosis 7 (LCA7). Identifiers: Orphanet 65, MedGen C3151192, MONDO:0013449, OMIM 613829.
Cone-rod dystrophy 2 (CORD2). Also called: CONE-ROD RETINAL DYSTROPHY; Cone-rod retinal dystrophy 2. Identifiers: Orphanet 1872, MedGen C3489532, MONDO:0007362, OMIM 120970.

Allele frequency attached by ClinVar (database versions not stated): 1000 Genomes Project 0.00439; 1000 Genomes Project 30x 0.00453; TOPMed 0.00957; gnomAD 0.00988 and 0.01017; gnomAD exomes 0.06000.
gnomAD v4.1: 1,491 of 152,272 alleles (0.98%); highest among the groups gnomAD compares: Non-Finnish European, 1.8%; 18 homozygotes.

Submissions (4):

Illumina Laboratory Services, Illumina
Classification: Benign for Cone-rod dystrophy 2. Last evaluated: 2018-01-12. Review status: criteria provided, single submitter. Criteria: ICSL Variant Classification Criteria 13 December 2019. Collection method: clinical testing. Allele origin: germline.
Comment: This variant was observed in the ICSL laboratory as part of a predisposition screen in an ostensibly healthy population. It had not been previously curated by ICSL or reported in the Human Gene Mutation Database (HGMD: prior to June 1st, 2018), and was therefore a candidate for classification through an automated scoring system. Utilizing variant allele frequency, disease prevalence and penetrance estimates, and inheritance mode, an automated score was calculated to assess if this variant is too frequent to cause the disease. Based on the score and internal cut-off values, a variant classified as benign is not then subjected to further curation. The score for this variant resulted in a classification of benign for this disease.

Illumina Laboratory Services, Illumina
Classification: Benign for Retinitis pigmentosa. Last evaluated: 2018-01-12. Review status: criteria provided, single submitter. Criteria: ICSL Variant Classification Criteria 13 December 2019. Collection method: clinical testing. Allele origin: germline.
Comment: the same text as in the submission from Illumina Laboratory Services, Illumina above.

Illumina Laboratory Services, Illumina
Classification: Likely benign for Leber congenital amaurosis 7. Last evaluated: 2018-01-12. Review status: criteria provided, single submitter. Criteria: ICSL Variant Classification Criteria 13 December 2019. Collection method: clinical testing. Allele origin: germline.
Comment: This variant was observed in the ICSL laboratory as part of a predisposition screen in an ostensibly healthy population. It had not been previously curated by ICSL or reported in the Human Gene Mutation Database (HGMD: prior to June 1st, 2018), and was therefore a candidate for classification through an automated scoring system. Utilizing variant allele frequency, disease prevalence and penetrance estimates, and inheritance mode, an automated score was calculated to assess if this variant is too frequent to cause the disease. Based on the score and internal cut-off values, a variant classified as likely benign is not then subjected to further curation. The score for this variant resulted in a classification of likely benign for this disease.

Breakthrough Genomics
Classification: Likely benign. Review status: criteria provided, single submitter. Criteria: ACMG Guidelines, 2015. Collection method: not provided. Allele origin: germline. Inheritance: Autosomal dominant inheritance. Affected: yes.

NM_000554.6(CRX):c.*2017C>T

Gene: CRX (cone-rod homeobox; plus strand). Cytogenetic location: 19q13.33.
Variant type: single nucleotide variant.
Coding change: c.*2017C>T on transcript NM_000554.6 (MANE Select); 2017 bases downstream of the stop codon, C replaced by T.
Molecular consequence: 3 prime UTR variant.
Genome position (GRCh38, 1-based): chr19:47,841,984, C>T. VCF-style: chr19-47841984-C-T. GRCh37 (hg19) VCF-style: chr19-48345241-C-T.
Identifiers: ClinVar variation 329751 (VCV000329751.6), dbSNP rs73038753, ClinGen allele CA10652640.